The following is an entry in ClinVar:

ClinVar aggregate classification (germline): Benign/Likely benign. Review status: criteria provided, multiple submitters, no conflicts (2 of 4 stars). 3 submissions from 3 submitters: Benign (1); Likely benign (2). Last evaluated 2025-12-23.

Conditions:
Renal cell carcinoma. Identifiers: Orphanet 217071, MedGen C0007134, MeSH D002292, MONDO:0005086, HP:0005584.
Papillary renal cell carcinoma type 1 (RCCP1). Also called: RENAL CELL CARCINOMA, PAPILLARY, 1, SOMATIC; Renal adenocarcinoma; Renal cell carcinoma 1; Renal cell carcinoma, somatic. Identifiers: Orphanet 47044, MedGen C1336839, OMIM 605074, HP:0011797.
Hereditary cancer-predisposing syndrome. Also called: Hereditary Cancer Syndrome; Tumor predisposition; Neoplastic Syndromes, Hereditary; Hereditary neoplastic syndrome. Identifiers: Orphanet 140162, MedGen C0027672, MeSH D009386, MONDO:0015356.

Allele frequency attached by ClinVar (database versions not stated): ExAC 0.00001; gnomAD 0.00001; gnomAD exomes 0.00001; TOPMed 0.00002; ESP Exome Variant Server 0.00008.
gnomAD v4.1: 11 of 1,614,046 alleles (0.00068%); highest among the groups gnomAD compares: Non-Finnish European, 0.00085%; no homozygotes.

Submissions (3):

Labcorp Genetics (formerly Invitae), Labcorp
Classification: Likely benign for Renal cell carcinoma. Last evaluated: 2025-12-23. Review status: criteria provided, single submitter. Criteria: Invitae Variant Classification Sherloc (09022015). Collection method: clinical testing. Allele origin: germline.

Myriad Genetics, Inc.
Classification: Benign for Papillary renal cell carcinoma type 1. Last evaluated: 2024-11-08. Review status: criteria provided, single submitter. Criteria: Myriad Autosomal Dominant, Autosomal Recessive and X-Linked Classification Criteria (2023). Collection method: clinical testing. Allele origin: unknown.
Comment: This variant is considered benign. This variant is a silent/synonymous amino acid change and it is not expected to impact splicing.

Ambry Genetics
Classification: Likely benign for Hereditary cancer-predisposing syndrome. Last evaluated: 2020-03-04. Review status: criteria provided, single submitter. Criteria: Ambry Variant Classification Scheme 2023. Collection method: clinical testing. Allele origin: germline.

NM_000245.4(MET):c.1839T>G (p.Thr613=)

Gene: MET (MET proto-oncogene, receptor tyrosine kinase; plus strand). Cytogenetic location: 7q31.2.
Variant type: single nucleotide variant.
Coding change: c.1839T>G on transcript NM_000245.4 (MANE Select); coding-DNA position 1839, T replaced by G.
Protein change: p.Thr613=; no amino-acid change (threonine 613 retained).
Molecular consequence: synonymous variant.
Genome position (GRCh38, 1-based): chr7:116,755,492, T>G. VCF-style: chr7-116755492-T-G. GRCh37 (hg19) VCF-style: chr7-116395546-T-G.
Other names: c.1839T>G, p.Thr613= (NM_001127500.3, NM_001324401.3); c.549T>G, p.Thr183= (NM_001324402.2).
Identifiers: ClinVar variation 701166 (VCV000701166.14), dbSNP rs373586966, ClinGen allele CA4448283.